The following is an entry in ClinVar:

ClinVar aggregate classification (germline): Uncertain significance (1 of 4 stars; one submission).

Conditions:
Cardiovascular phenotype. Identifiers: MedGen CN230736.
Hereditary cancer-predisposing syndrome. Also called: Tumor predisposition; Neoplastic Syndromes, Hereditary; Hereditary neoplastic syndrome; Hereditary Cancer Syndrome. Identifiers: Orphanet 140162, MedGen C0027672, MeSH D009386, MONDO:0015356.

Submission:

Ambry Genetics
Classification: Uncertain significance for Cardiovascular phenotype; Hereditary cancer-predisposing syndrome. Last evaluated: 2025-06-27. Review status: criteria provided, single submitter. Criteria: Ambry Variant Classification Scheme 2023. Collection method: clinical testing. Allele origin: germline.
Comment: The p.D304N variant (also known as c.910G>A), located in coding exon 9 of the LZTR1 gene, results from a G to A substitution at nucleotide position 910. The aspartic acid at codon 304 is replaced by asparagine, an amino acid with highly similar properties. This amino acid position is conserved. In addition, this alteration is predicted to be tolerated by in silico analysis. Based on the available evidence, the clinical significance of this variant remains unclear.

NM_006767.4(LZTR1):c.910G>A (p.Asp304Asn)

Gene: LZTR1 (leucine zipper like post translational regulator 1; plus strand). Cytogenetic location: 22q11.21.
Variant type: single nucleotide variant.
Coding change: c.910G>A on transcript NM_006767.4 (MANE Select); coding-DNA position 910, G replaced by A.
Protein change: p.Asp304Asn; replaces aspartic acid 304 with asparagine.
Molecular consequence: missense variant.
Genome position (GRCh38, 1-based): chr22:20,991,746, G>A. VCF-style: chr22-20991746-G-A. GRCh37 (hg19) VCF-style: chr22-21346035-G-A.
Other names: short protein forms D304N.
Identifiers: ClinVar variation 4101874 (VCV004101874.1).
Genomic context (GRCh38, chr22:20,991,746, plus strand): 5'-CGCTACGGGCATACCATGGTGGCCTTTGACCGCCACCTCTATGTGTTTGGGGGTGCGGCC[G>A]ACAACACGCTGCCCAACGAGCTGCACTGCTATGACGTGGACTTCCAGACCTGGGAGGTCG-3'
Protein context (NP_006758.2, residues 294-314): RHLYVFGGAA[Asp304Asn]NTLPNELHCY